The following is an entry in ClinVar:

NM_001111.5(ADAR):c.78G>A (p.Arg26=)

Gene: ADAR (adenosine deaminase RNA specific; minus strand). Cytogenetic location: 1q21.3.
Variant type: single nucleotide variant.
Coding change: c.78G>A on transcript NM_001111.5 (MANE Select); coding-DNA position 78, G replaced by A.
Protein change: p.Arg26=; no amino-acid change (arginine 26 retained).
Molecular consequence: synonymous variant. On other transcripts: 5 prime UTR variant (6).
Genome position (GRCh38, 1-based): chr1:154,602,564, C>T on the plus strand (G>A on the coding strand, the complement: ADAR is on the minus strand). VCF-style: chr1-154602564-C-T. GRCh37 (hg19) VCF-style: chr1-154575040-C-T.
Other names: c.78G>A, p.Arg26= (LRG_1212t1, NM_015840.4, NM_015841.4); c.-808G>A (NM_001025107.3, NM_001193495.2, NM_001365048.1); c.105G>A, p.Arg35= (NM_001365045.1); c.-672G>A (NM_001365046.1, NM_001365047.1, NM_001365049.1).
Identifiers: ClinVar variation 257476 (VCV000257476.25), dbSNP rs1802645, ClinGen allele CA1131767.
Genomic context (GRCh38, chr1:154,602,564, plus strand): 5'-AAATTCTATTTGCTTAAGCAGGAAACTACTGGGGGAAGATCCTGGCCCAGGCTGCTGGTA[C>T]CTGAGCTGTCTGTGCTCATAGCCTTGAAATGGATGGGTGTAGTATCCGCTGAGGGAATAC-3'
Protein context (NP_001102.3, residues 16-36): PFQGYEHRQL[Arg26=]YQQPGPGSSP

ClinVar aggregate classification (germline): Benign/Likely benign. Review status: criteria provided, multiple submitters, no conflicts (2 of 4 stars). 10 submissions from 9 submitters: Benign (9); Likely benign (1). Last evaluated 2026-02-04.

Conditions:
Aicardi-Goutieres syndrome 6 (AGS6). Identifiers: Orphanet 51, MedGen C3539013, MONDO:0014007, OMIM 615010.
Symmetrical dyschromatosis of extremities (DSH). Also called: RETICULATE ACROPIGMENTATION OF DOHI; SYMMETRIC DYSCHROMATOSIS OF THE EXTREMITIES; DYSCHROMATOSIS SYMMETRICA HEREDITARIA 1; Dyschromatosis symmetrica hereditaria. Identifiers: Orphanet 41, MedGen C0406775, MONDO:0007483, OMIM 127400.

Allele frequency attached by ClinVar (database versions not stated): 1000 Genomes Project 30x 0.99641; TOPMed 0.99677; 1000 Genomes Project 0.99700; ESP Exome Variant Server 0.99716; gnomAD 0.99723 and 0.99737; ExAC 0.99916; gnomAD exomes 0.99921 and 0.99969.

Submissions (10):

Labcorp Genetics (formerly Invitae), Labcorp
Classification: Benign for Aicardi-Goutieres syndrome 6; Symmetrical dyschromatosis of extremities. Last evaluated: 2026-02-04. Review status: criteria provided, single submitter. Criteria: Invitae Variant Classification Sherloc (09022015). Collection method: clinical testing. Allele origin: germline.

Women's Health and Genetics/Laboratory Corporation of America, LabCorp
Classification: Benign. Last evaluated: 2026-01-21. Review status: criteria provided, single submitter. Criteria: LabCorp Variant Classification Summary - May 2015. Collection method: clinical testing. Allele origin: germline.

Blueprint Genetics
Classification: Likely benign. Last evaluated: 2024-11-26. Review status: criteria provided, single submitter. Criteria: ACMG Guidelines, 2015. Collection method: clinical testing. Allele origin: germline.

Unidad de Genómica Garrahan, Hospital de Pediatría Garrahan
Classification: Benign. Last evaluated: 2023-11-12. Review status: criteria provided, single submitter. Criteria: ACMG Guidelines, 2015. Collection method: clinical testing. Allele origin: germline. Affected: no. Observed: 96 variant alleles.
Comment: This variant is classified as Benign based on local population frequency. This variant was detected in 100% of patients studied by a panel of primary immunodeficiencies. Number of patients: 96. Only high quality variants are reported.

Genome-Nilou Lab
Classification: Benign for Aicardi-Goutieres syndrome 6. Last evaluated: 2021-07-14. Review status: criteria provided, single submitter. Criteria: ACMG Guidelines, 2015. Collection method: clinical testing. Allele origin: germline. Affected: no.

Genome-Nilou Lab
Classification: Benign for Symmetrical dyschromatosis of extremities. Last evaluated: 2021-07-14. Review status: criteria provided, single submitter. Criteria: ACMG Guidelines, 2015. Collection method: clinical testing. Allele origin: germline. Affected: no.

GeneDx
Classification: Benign. Last evaluated: 2018-07-05. Review status: criteria provided, single submitter. Criteria: GeneDx Variant Classification Process June 2021. Collection method: clinical testing. Allele origin: germline. Affected: yes.

Illumina Laboratory Services, Illumina
Classification: Benign for Symmetrical dyschromatosis of extremities. Last evaluated: 2018-01-12. Review status: criteria provided, single submitter. Criteria: ICSL Variant Classification Criteria 13 December 2019. Collection method: clinical testing. Allele origin: germline.
Comment: This variant was observed in the ICSL laboratory as part of a predisposition screen in an ostensibly healthy population. It had not been previously curated by ICSL or reported in the Human Gene Mutation Database (HGMD: prior to June 1st, 2018), and was therefore a candidate for classification through an automated scoring system. Utilizing variant allele frequency, disease prevalence and penetrance estimates, and inheritance mode, an automated score was calculated to assess if this variant is too frequent to cause the disease. Based on the score and internal cut-off values, a variant classified as benign is not then subjected to further curation. The score for this variant resulted in a classification of benign for this disease.

Breakthrough Genomics
Classification: Benign. Review status: criteria provided, single submitter. Criteria: ACMG Guidelines, 2015. Collection method: not provided. Allele origin: germline. Inheritance: Autosomal recessive inheritance. Affected: yes.

PreventionGenetics, part of Exact Sciences
Classification: Benign. Review status: criteria provided, single submitter. Criteria: ACMG Guidelines, 2015. Collection method: clinical testing. Allele origin: germline.